The following is an entry in ClinVar:

NM_054012.4(ASS1):c.853C>T (p.Pro285Ser)

Gene: ASS1 (argininosuccinate synthase 1; plus strand). Cytogenetic location: 9q34.11.
Variant type: single nucleotide variant.
Coding change: c.853C>T on transcript NM_054012.4 (MANE Select); coding-DNA position 853, C replaced by T.
Protein change: p.Pro285Ser; replaces proline 285 with serine.
Molecular consequence: missense variant.
Genome position (GRCh38, 1-based): chr9:130,489,347, C>T. VCF-style: chr9-130489347-C-T. GRCh37 (hg19) VCF-style: chr9-133364734-C-T.
Other names: c.853C>T, p.Pro285Ser (NM_000050.4); short protein forms P285S.
Identifiers: ClinVar variation 1935240 (VCV001935240.2), dbSNP rs1414109637, ClinGen allele CA375230472.

ClinVar aggregate classification (germline): Uncertain significance (1 of 4 stars; one submission).

Conditions:
Citrullinemia. Identifiers: Orphanet 187, MedGen C0175683, MONDO:0015991.

gnomAD v4.1: 4 of 1,613,912 alleles (0.00025%); highest among the groups gnomAD compares: African/African-American, 0.0013%; no homozygotes.

Submission:

Labcorp Genetics (formerly Invitae), Labcorp
Classification: Uncertain significance for Citrullinemia. Last evaluated: 2022-05-28. Review status: criteria provided, single submitter. Criteria: Invitae Variant Classification Sherloc (09022015). Collection method: clinical testing. Allele origin: germline.
Comment: This sequence change replaces proline, which is neutral and non-polar, with serine, which is neutral and polar, at codon 285 of the ASS1 protein (p.Pro285Ser). This variant is not present in population databases (gnomAD no frequency). This variant has not been reported in the literature in individuals affected with ASS1-related conditions. Algorithms developed to predict the effect of missense changes on protein structure and function are either unavailable or do not agree on the potential impact of this missense change (SIFT: "Tolerated"; PolyPhen-2: "Possibly Damaging"; Align-GVGD: "Class C0"). In summary, the available evidence is currently insufficient to determine the role of this variant in disease. Therefore, it has been classified as a Variant of Uncertain Significance.